The following is an entry in ClinVar:

ClinVar aggregate classification (germline): Likely benign (0 of 4 stars; one submission).

Conditions:
HOXD13-related disorder. Also called: HOXD13-related disorders; HOXD13-related condition.

Submission:

PreventionGenetics, part of Exact Sciences
Classification: Likely benign for HOXD13-related condition. Last evaluated: 2022-05-31. Review status: no assertion criteria provided. Collection method: clinical testing. Allele origin: germline.
Comment: This variant is classified as likely benign based on ACMG/AMP sequence variant interpretation guidelines (Richards et al. 2015 PMID: 25741868, with internal and published modifications).

NM_000523.4(HOXD13):c.94GCG[4] (p.Ala36del)

Gene: HOXD13 (homeobox D13; plus strand). Cytogenetic location: 2q31.1.
Variant type: Microsatellite.
Coding change: c.94GCG[4] on transcript NM_000523.4 (MANE Select); four copies in a row of the 3-base unit GCG starting at c.94; the reference has five copies in a row; one copy, 3 bases deleted.
Protein change: p.Ala36del; deletes alanine 36.
Genome position (GRCh38, 1-based): chr2:176,092,996-176,092,998, GCG deleted; deleting any 3 consecutive bases within chr2:176,092,983-176,092,998 gives the same sequence; the position shown is the placement nearest the transcript's 3' end. VCF-style (leftmost placement, unchanged base first): chr2-176092982-TGGC-T. GRCh37 (hg19) VCF-style: chr2-176957710-TGGC-T.
Other names: short protein forms A36del.
Identifiers: ClinVar variation 3056120 (VCV003056120.2), dbSNP rs767527649, ClinGen allele CA1976505.
Genomic context (GRCh38, chr2:176,092,982, plus strand): 5'-GGCTGCGGGCAGACGGCGGGGGCGCCGGTGGCGCCCCGGCCTCTTCCTCCTCCTCATCGG[TGGC>T]GGCGGCGGCGGCGTCAGGCCAGTGCCGCGGCTTTCTCTCCGCGCCTGTGTTCGCCGGGAC-3'